The following is an entry in ClinVar:

NM_032119.4(ADGRV1):c.6649G>T (p.Ala2217Ser)

Gene: ADGRV1 (adhesion G protein-coupled receptor V1; plus strand). Cytogenetic location: 5q14.3.
Variant type: single nucleotide variant.
Coding change: c.6649G>T on transcript NM_032119.4 (MANE Select); coding-DNA position 6649, G replaced by T.
Protein change: p.Ala2217Ser; replaces alanine 2217 with serine.
Molecular consequence: missense variant. On other transcripts: non-coding transcript variant (1).
Genome position (GRCh38, 1-based): chr5:90,690,019, G>T. VCF-style: chr5-90690019-G-T. GRCh37 (hg19) VCF-style: chr5-89985836-G-T.
Other names: short protein forms A2217S.
Identifiers: ClinVar variation 1014162 (VCV001014162.8), dbSNP rs1437340653, ClinGen allele CA360366741.

ClinVar aggregate classification (germline): Uncertain significance (1 of 4 stars; one submission).

Allele frequency attached by ClinVar (database versions not stated): gnomAD exomes below 0.00001.
gnomAD v4.1: 1 of 1,599,276 alleles (0.000063%); highest among the groups gnomAD compares: Non-Finnish European, 0.000085%; no homozygotes.

Submission:

Labcorp Genetics (formerly Invitae), Labcorp
Classification: Uncertain significance. Last evaluated: 2022-01-11. Review status: criteria provided, single submitter. Criteria: Invitae Variant Classification Sherloc (09022015). Collection method: clinical testing. Allele origin: germline.
Comment: In summary, the available evidence is currently insufficient to determine the role of this variant in disease. Therefore, it has been classified as a Variant of Uncertain Significance. Algorithms developed to predict the effect of missense changes on protein structure and function (SIFT, PolyPhen-2, Align-GVGD) all suggest that this variant is likely to be tolerated. ClinVar contains an entry for this variant (Variation ID: 1014162). This variant has not been reported in the literature in individuals affected with ADGRV1-related conditions. This variant is not present in population databases (gnomAD no frequency). This sequence change replaces alanine, which is neutral and non-polar, with serine, which is neutral and polar, at codon 2217 of the ADGRV1 protein (p.Ala2217Ser).